The following is an entry in ClinVar:

NM_199420.4(POLQ):c.2802A>C (p.Leu934Phe)

Gene: POLQ (DNA polymerase theta; minus strand). Cytogenetic location: 3q13.33.
Variant type: single nucleotide variant.
Coding change: c.2802A>C on transcript NM_199420.4 (MANE Select); coding-DNA position 2802, A replaced by C.
Protein change: p.Leu934Phe; replaces leucine 934 with phenylalanine.
Molecular consequence: missense variant.
Genome position (GRCh38, 1-based): chr3:121,490,129, T>G on the plus strand (A>C on the coding strand, the complement: POLQ is on the minus strand). VCF-style: chr3-121490129-T-G. GRCh37 (hg19) VCF-style: chr3-121208976-T-G.
Other names: short protein forms L934F.
Identifiers: ClinVar variation 1796231 (VCV001796231.2), dbSNP rs2546788169, ClinGen allele CA354104539.

ClinVar aggregate classification (germline): Uncertain significance (1 of 4 stars; one submission).

Submission:

Ambry Genetics
Classification: Uncertain significance. Last evaluated: 2021-10-01. Review status: criteria provided, single submitter. Criteria: Ambry Variant Classification Scheme 2023. Collection method: clinical testing. Allele origin: germline.
Comment: The p.L934F variant (also known as c.2802A>C), located in coding exon 16 of the POLQ gene, results from an A to C substitution at nucleotide position 2802. The leucine at codon 934 is replaced by phenylalanine, an amino acid with highly similar properties. This amino acid position is conserved. In addition, this alteration is predicted to be tolerated by in silico analysis. Since supporting evidence is limited at this time, the clinical significance of this alteration remains unclear.